The following is an entry in ClinVar:

ClinVar aggregate classification (germline): Uncertain significance (1 of 4 stars; one submission).

Allele frequency attached by ClinVar (database versions not stated): ExAC 0.00001.

Submission:

Labcorp Genetics (formerly Invitae), Labcorp
Classification: Uncertain significance. Last evaluated: 2023-12-13. Review status: criteria provided, single submitter. Criteria: Invitae Variant Classification Sherloc (09022015). Collection method: clinical testing. Allele origin: germline.
Comment: This sequence change replaces isoleucine, which is neutral and non-polar, with phenylalanine, which is neutral and non-polar, at codon 113 of the TLR7 protein (p.Ile113Phe). This variant is present in population databases (rs774725136, gnomAD 0.03%). This variant has not been reported in the literature in individuals affected with TLR7-related conditions. An algorithm developed to predict the effect of missense changes on protein structure and function (PolyPhen-2) suggests that this variant is likely to be tolerated. Experimental studies have shown that this missense change does not substantially affect TLR7 function (PMID: 34413140). In summary, the available evidence is currently insufficient to determine the role of this variant in disease. Therefore, it has been classified as a Variant of Uncertain Significance.

Literature cited by the submitters: PubMed 34413140.

NM_016562.4(TLR7):c.337A>T (p.Ile113Phe)

Gene: TLR7 (toll like receptor 7; plus strand). Cytogenetic location: Xp22.2.
Variant type: single nucleotide variant.
Coding change: c.337A>T on transcript NM_016562.4 (MANE Select); coding-DNA position 337, A replaced by T.
Protein change: p.Ile113Phe; replaces isoleucine 113 with phenylalanine.
Molecular consequence: missense variant.
Genome position (GRCh38, 1-based): chrX:12,885,845, A>T. VCF-style: chrX-12885845-A-T. GRCh37 (hg19) VCF-style: chrX-12903964-A-T.
Other names: short protein forms I113F.
Identifiers: ClinVar variation 2895108 (VCV002895108.3), dbSNP rs774725136, ClinGen allele CA10349918.